The following is an entry in ClinVar:

NM_006941.4(SOX10):c.426G>A (p.Trp142Ter)

Genes: POLR2F (RNA polymerase II, I and III subunit F; plus strand), SOX10 (SRY-box transcription factor 10; minus strand). Cytogenetic location: 22q13.1.
Variant type: single nucleotide variant.
Coding change: c.426G>A on transcript NM_006941.4 (MANE Select); coding-DNA position 426, G replaced by A.
Protein change: p.Trp142Ter; replaces tryptophan 142 with a stop codon.
Molecular consequence: nonsense. On other transcripts: intron variant (3).
Genome position (GRCh38, 1-based): chr22:37,983,359, C>T on the plus strand (G>A on the coding strand, the complement: SOX10 is on the minus strand). VCF-style: chr22-37983359-C-T. GRCh37 (hg19) VCF-style: chr22-38379366-C-T.
Other names: c.*38+11049C>T (NM_001363825.1); c.294-2795C>T (NM_001301130.2); c.293+16189C>T (NM_001301131.2); short protein forms W142*.
Identifiers: ClinVar variation 505252 (VCV000505252.6), dbSNP rs1555939403, ClinGen allele CA411499987.

ClinVar aggregate classification (germline): Pathogenic (1 of 4 stars; one submission).

Conditions:
Rare genetic deafness. Identifiers: Orphanet 96210, MedGen C5680250.

Submission:

Laboratory for Molecular Medicine, Mass General Brigham Personalized Medicine
Classification: Pathogenic for Rare genetic deafness. Last evaluated: 2016-08-04. Review status: criteria provided, single submitter. Criteria: LMM Criteria. Collection method: clinical testing. Allele origin: germline. Inheritance: Autosomal dominant inheritance. Observed: 1 variant allele.
Comment: The p.Trp142X variant in SOX10 has not been previously reported in individuals w ith hearing loss or Waardenburg syndrome. Data from large population studies are insufficient to assess the frequency of this variant in the general population. This nonsense variant leads to a premature termination codon at position 142, w hich is predicted to lead to a truncated or absent protein. Heterozygous loss of function of the SOX10 gene is an established disease mechanism in Waardenburg s yndrome. In summary, this variant meets criteria to be classified as pathogenic for Waardenburg syndrome in an autosomal dominant manner based on the predicted impact of the variant.